The following is an entry in ClinVar:

NM_001083962.2(TCF4):c.1778G>A (p.Arg593His)

Gene: TCF4 (transcription factor 4; minus strand). Cytogenetic location: 18q21.2.
Variant type: single nucleotide variant.
Coding change: c.1778G>A on transcript NM_001083962.2 (MANE Select); coding-DNA position 1778, G replaced by A.
Protein change: p.Arg593His; replaces arginine 593 with histidine.
Molecular consequence: missense variant.
Genome position (GRCh38, 1-based): chr18:55,228,948, C>T on the plus strand (G>A on the coding strand, the complement: TCF4 is on the minus strand). VCF-style: chr18-55228948-C-T. GRCh37 (hg19) VCF-style: chr18-52896179-C-T.
Other names: c.1691G>A, p.Arg564His (NM_001348220.1, NM_001369585.1, NM_001369584.1); c.1778G>A, p.Arg593His (NM_001369567.1, NM_001369568.1); c.1775G>A, p.Arg592His (NM_001369569.1, NM_001369570.1, NM_001330604.3); c.1766G>A, p.Arg589His (NM_001369571.1, NM_001369572.1, NM_003199.3); c.1763G>A, p.Arg588His (NM_001369573.1, NM_001369574.1); c.1709G>A, p.Arg570His (NM_001369586.1); c.1130G>A, p.Arg377His (NM_001348215.2); c.1298G>A, p.Arg433His (NM_001348216.2, NM_001243234.2); and 14 more; short protein forms R377H, R428H, R429H, R433H, R459H, R463H, R518H, R522H.
Identifiers: ClinVar variation 1005288 (VCV001005288.10), dbSNP rs1041108937, ClinGen allele CA300793657.
Genomic context (GRCh38, chr18:55,228,948, plus strand): 5'-TGGTGGAGGATCAGGAGCTTGGTCTGGGGCTTGTCACTCTTGAGGTGGAGCTGCACCATG[C>T]GGCCGAGCTCTTTGAAAGCCTCGTTGATGTCACGGACCCGCAGACGCTCTCGGGCATTGT-3'
Protein context (NP_001077431.1, residues 583-603): DINEAFKELG[Arg593His]MVQLHLKSDK

ClinVar aggregate classification (germline): Conflicting classifications of pathogenicity. Review status: criteria provided, conflicting classifications (1 of 4 stars). 2 submissions from 2 submitters: Uncertain significance (1); Likely benign (1). Last evaluated 2026-04-22.

Conditions:
Pitt-Hopkins syndrome (PTHS). Also called: ENCEPHALOPATHY, SEVERE EPILEPTIC, WITH AUTONOMIC DYSFUNCTION; MENTAL RETARDATION, SYNDROMAL, WITH INTERMITTENT HYPERVENTILATION. Identifiers: Orphanet 2896, MedGen C1970431, MONDO:0012589, OMIM 610954.

Allele frequency attached by ClinVar (database versions not stated): gnomAD exomes below 0.00001.
gnomAD v4.1: 1 of 1,614,168 alleles (0.000062%); highest among the groups gnomAD compares: African/African-American, 0.0013%; no homozygotes.

Submissions (2):

Institute of Human Genetics, University of Leipzig Medical Center
Classification: Likely benign for Pitt-Hopkins syndrome. Last evaluated: 2026-04-22. Review status: criteria provided, single submitter. Criteria: ACMG Guidelines, 2015. Collection method: clinical testing. Allele origin: paternal. Inheritance: Autosomal dominant inheritance. Affected: yes.
Comment: Criteria applied: PM1,PP3,BS2

Labcorp Genetics (formerly Invitae), Labcorp
Classification: Uncertain significance for Pitt-Hopkins syndrome. Last evaluated: 2024-07-16. Review status: criteria provided, single submitter. Criteria: Invitae Variant Classification Sherloc (09022015). Collection method: clinical testing. Allele origin: germline.
Comment: This sequence change replaces arginine, which is basic and polar, with histidine, which is basic and polar, at codon 593 of the TCF4 protein (p.Arg593His). This variant is not present in population databases (gnomAD no frequency). This variant has not been reported in the literature in individuals affected with TCF4-related conditions. ClinVar contains an entry for this variant (Variation ID: 1005288). Advanced modeling of protein sequence and biophysical properties (such as structural, functional, and spatial information, amino acid conservation, physicochemical variation, residue mobility, and thermodynamic stability) performed at Invitae indicates that this missense variant is not expected to disrupt TCF4 protein function with a negative predictive value of 80%. In summary, the available evidence is currently insufficient to determine the role of this variant in disease. Therefore, it has been classified as a Variant of Uncertain Significance.